The following is an entry in ClinVar:

NM_198576.4(AGRN):c.4319C>T (p.Pro1440Leu)

Gene: AGRN (agrin; plus strand). Cytogenetic location: 1p36.33.
Variant type: single nucleotide variant.
Coding change: c.4319C>T on transcript NM_198576.4 (MANE Select); coding-DNA position 4319, C replaced by T.
Protein change: p.Pro1440Leu; replaces proline 1440 with leucine.
Molecular consequence: missense variant.
Genome position (GRCh38, 1-based): chr1:1,049,256, C>T. VCF-style: chr1-1049256-C-T. GRCh37 (hg19) VCF-style: chr1-984636-C-T.
Other names: c.4319C>T, p.Pro1440Leu (NM_001305275.2); c.4004C>T, p.Pro1335Leu (NM_001364727.2); short protein forms P1440L, P1335L.
Identifiers: ClinVar variation 946939 (VCV000946939.7), dbSNP rs1013476257, ClinGen allele CA16700504.

ClinVar aggregate classification (germline): Uncertain significance. Review status: criteria provided, multiple submitters, no conflicts (2 of 4 stars). 2 submissions from 2 submitters: Uncertain significance (2). Last evaluated 2023-04-26.

Conditions:
Congenital myasthenic syndrome 8. Also called: Myasthenic syndrome, congenital, 8, with pre- and postsynaptic defects; MYASTHENIC SYNDROME, CONGENITAL, DUE TO AGRIN DEFICIENCY. Identifiers: Orphanet 590, MedGen C3808739, MONDO:0014052, OMIM 615120.

Allele frequency attached by ClinVar (database versions not stated): gnomAD exomes 0.00001; gnomAD 0.00003 and 0.00004; TOPMed 0.00003.
gnomAD v4.1: 25 of 1,588,450 alleles (0.0016%); highest among the groups gnomAD compares: Middle Eastern, 0.017%; no homozygotes.

Submissions (2):

GeneDx
Classification: Uncertain significance. Last evaluated: 2023-04-26. Review status: criteria provided, single submitter. Criteria: GeneDx Variant Classification Process June 2021. Collection method: clinical testing. Allele origin: germline. Affected: yes.
Comment: Not observed at significant frequency in large population cohorts (gnomAD); In silico analysis supports that this missense variant has a deleterious effect on protein structure/function; Has not been previously published as pathogenic or benign to our knowledge

Labcorp Genetics (formerly Invitae), Labcorp
Classification: Uncertain significance for Congenital myasthenic syndrome 8. Last evaluated: 2022-07-12. Review status: criteria provided, single submitter. Criteria: Invitae Variant Classification Sherloc (09022015). Collection method: clinical testing. Allele origin: germline.
Comment: This sequence change replaces proline, which is neutral and non-polar, with leucine, which is neutral and non-polar, at codon 1440 of the AGRN protein (p.Pro1440Leu). The frequency data for this variant in the population databases is considered unreliable, as metrics indicate poor data quality at this position in the gnomAD database. This variant has not been reported in the literature in individuals affected with AGRN-related conditions. ClinVar contains an entry for this variant (Variation ID: 946939). Algorithms developed to predict the effect of missense changes on protein structure and function are either unavailable or do not agree on the potential impact of this missense change (SIFT: "Tolerated"; PolyPhen-2: "Possibly Damaging"; Align-GVGD: "Class C0"). In summary, the available evidence is currently insufficient to determine the role of this variant in disease. Therefore, it has been classified as a Variant of Uncertain Significance.